The following is an entry in ClinVar:

NM_002890.3(RASA1):c.383_384del (p.Leu128fs)

Gene: RASA1 (RAS p21 protein activator 1; plus strand). Cytogenetic location: 5q14.3.
Variant type: Microsatellite.
Coding change: c.383_384del on transcript NM_002890.3 (MANE Select); coding-DNA positions 383 to 384, 2 bases deleted (TC; older notation c.383_384delTC).
Protein change: p.Leu128fs; shifts the reading frame from leucine 128.
Molecular consequence: frameshift variant.
Genome position (GRCh38, 1-based): chr5:87,268,834-87,268,835, TC deleted; deleting any 2 consecutive bases within chr5:87,268,831-87,268,835 gives the same sequence; the c. name uses the placement nearest the transcript's 3' end. VCF-style (leftmost placement, unchanged base first): chr5-87268830-ACT-A. GRCh37 (hg19) VCF-style: chr5-86564647-ACT-A.
Other names: c.383_384delTC (NM_002890.3); short protein forms L128fs.
Identifiers: ClinVar variation 2195273 (VCV002195273.6), dbSNP rs1753690583, ClinGen allele CA1561547819.
Genomic context (GRCh38, chr5:87,268,830, plus strand): 5'-GTTGCTGGACCTAGTGGAGACATGGCTCTCACCAAACTGCCCACTTCGTTGCTTGCTGAG[ACT>A]CTCGGGCCAGGCGGCGGTTTTCCCCCTCTGCCCCCTCCCCCTTACCTGCCCCCTTTGGGG-3'

ClinVar aggregate classification (germline): Pathogenic. Review status: criteria provided, multiple submitters, no conflicts (2 of 4 stars). 3 submissions from 3 submitters: Pathogenic (3). Last evaluated 2025-11-07.

Conditions:
Cardiovascular phenotype. Identifiers: MedGen CN230736.
Capillary malformation-arteriovenous malformation syndrome. Also called: Capillary malformation-arteriovenous malformation. Identifiers: Orphanet 137667, MedGen C1842180, MONDO:0012016.

Submissions (3):

Ambry Genetics
Classification: Pathogenic for Cardiovascular phenotype. Last evaluated: 2025-11-07. Review status: criteria provided, single submitter. Criteria: Ambry Variant Classification Scheme 2023. Collection method: clinical testing. Allele origin: germline.
Comment: The c.383_384delTC (p.L128Rfs*29) alteration, located in exon 1 (coding exon 1) of the RASA1 gene, consists of a deletion of 2 nucleotides from position 383 to 384, causing a translational frameshift with a predicted alternate stop codon after 29 amino acids. This alteration is expected to result in loss of function by premature protein truncation or nonsense-mediated mRNA decay. This variant was not reported in population-based cohorts in the Genome Aggregation Database (gnomAD). This variant was reported in individual(s) with features consistent with RASA1-related capillary malformation-arteriovenous malformation syndrome (Saliou, 2017). Based on the available evidence, this alteration is classified as pathogenic.

GeneDx
Classification: Pathogenic. Last evaluated: 2024-12-02. Review status: criteria provided, single submitter. Criteria: GeneDx Variant Classification Process June 2021. Collection method: clinical testing. Allele origin: germline. Affected: yes.
Comment: Frameshift variant predicted to result in protein truncation or nonsense mediated decay in a gene for which loss of function is a known mechanism of disease; Not observed at significant frequency in large population cohorts (gnomAD); This variant is associated with the following publications: (PMID: 32776686, 29171923)

Labcorp Genetics (formerly Invitae), Labcorp
Classification: Pathogenic for Capillary malformation-arteriovenous malformation syndrome. Last evaluated: 2022-04-01. Review status: criteria provided, single submitter. Criteria: Invitae Variant Classification Sherloc (09022015). Collection method: clinical testing. Allele origin: germline.
Comment: This variant is not present in population databases (gnomAD no frequency). This premature translational stop signal has been observed in individual(s) with RASA1-related conditions (PMID: 29171923). For these reasons, this variant has been classified as Pathogenic. This sequence change creates a premature translational stop signal (p.Leu128Argfs*29) in the RASA1 gene. It is expected to result in an absent or disrupted protein product. Loss-of-function variants in RASA1 are known to be pathogenic (PMID: 24038909).

Literature cited by the submitters: PubMed 29171923 (cited by Ambry Genetics and Labcorp Genetics (formerly Invitae), Labcorp); PubMed 24038909 (cited by Labcorp Genetics (formerly Invitae), Labcorp).